The following is an entry in ClinVar:

ClinVar aggregate classification (germline): Uncertain significance. Review status: criteria provided, multiple submitters, no conflicts (2 of 4 stars). 2 submissions from 2 submitters: Uncertain significance (2). Last evaluated 2023-06-16.

Conditions:
Inborn genetic diseases. Identifiers: MedGen C0950123, MeSH D030342.

Allele frequency attached by ClinVar (database versions not stated): gnomAD 0.00001; ExAC 0.00002; gnomAD exomes 0.00002.
gnomAD v4.1: 15 of 1,614,000 alleles (0.00093%); highest among the groups gnomAD compares: Admixed American, 0.0033%; no homozygotes.

Submissions (2):

Ambry Genetics
Classification: Uncertain significance for Inborn genetic diseases. Last evaluated: 2023-06-16. Review status: criteria provided, single submitter. Criteria: Ambry Variant Classification Scheme 2023. Collection method: clinical testing. Allele origin: germline.

GeneDx
Classification: Uncertain significance. Last evaluated: 2022-02-07. Review status: criteria provided, single submitter. Criteria: GeneDx Variant Classification Process June 2021. Collection method: clinical testing. Allele origin: germline. Affected: yes.
Comment: In silico analysis supports that this missense variant has a deleterious effect on protein structure/function; Has not been previously published as pathogenic or benign to our knowledge

NM_003285.3(TNR):c.314C>A (p.Thr105Asn)

Gene: TNR (tenascin R; minus strand). Cytogenetic location: 1q25.1.
Variant type: single nucleotide variant.
Coding change: c.314C>A on transcript NM_003285.3 (MANE Select); coding-DNA position 314, C replaced by A.
Protein change: p.Thr105Asn; replaces threonine 105 with asparagine.
Molecular consequence: missense variant. On other transcripts: 5 prime UTR variant (1).
Genome position (GRCh38, 1-based): chr1:175,406,401, G>T on the plus strand (C>A on the coding strand, the complement: TNR is on the minus strand). VCF-style: chr1-175406401-G-T. GRCh37 (hg19) VCF-style: chr1-175375537-G-T.
Other names: c.-582C>A (NM_001328635.2); short protein forms T105N.
Identifiers: ClinVar variation 1700303 (VCV001700303.4), dbSNP rs759156311, ClinGen allele CA1256215.